The following is an entry in ClinVar:

ClinVar aggregate classification (germline): Likely pathogenic. Review status: criteria provided, multiple submitters, no conflicts (2 of 4 stars). 4 submissions from 4 submitters: Likely pathogenic (4). Last evaluated 2025-09-02.

Conditions:
Congenital hyperammonemia, type I. Also called: Carbamoyl phosphate synthetase 1 deficiency; Hyperammonemia due to carbamoyl phosphate synthetase 1 deficiency; CPS 1 deficiency; Carbamyl phosphate synthetase (CPS) deficiency; Carbamoyl phosphate synthetase I deficiency disease; Carbamoyl-phosphate synthase I deficiency. Identifiers: Orphanet 147, MedGen C4082171, MONDO:0009376, OMIM 237300.
Pulmonary hypertension, neonatal, susceptibility to (PHN). Identifiers: MedGen C3714958, MONDO:0014151, OMIM 615371.

Allele frequency attached by ClinVar (database versions not stated): gnomAD 0.00001; gnomAD exomes 0.00001.
gnomAD v4.1: 15 of 1,613,050 alleles (0.00093%); highest among the groups gnomAD compares: African/African-American, 0.0013%; no homozygotes.

Submissions (4):

Myriad Genetics, Inc.
Classification: Likely pathogenic for Congenital hyperammonemia, type I. Last evaluated: 2025-09-02. Review status: criteria provided, single submitter. Criteria: Myriad Autosomal Dominant, Autosomal Recessive and X-Linked Classification Criteria (2023). Collection method: clinical testing. Allele origin: unknown.
Comment: NM_001875.4(CPS1):c.3141+2T>C is a variant in a canonical splice site classified as likely pathogenic in the context of carbamoylphosphate synthetase I deficiency. c.3141+2T>C has not been observed in cases with relevant disease. Relevant functional assessments of this variant are not available in the literature. c.3141+2T>C has not been observed in referenced population frequency databases. In summary, NM_001875.4(CPS1):c.3141+2T>C is a variant in a canonical splice site in a gene where loss of function is a known mechanism of disease and is predicted to disrupt protein function. Please note: this variant was assessed in the context of healthy population screening.

Fulgent Genetics
Classification: Likely pathogenic for Congenital hyperammonemia, type I; Pulmonary hypertension, neonatal, susceptibility to. Last evaluated: 2024-04-29. Review status: criteria provided, single submitter. Criteria: ACMG Guidelines, 2015. Collection method: clinical testing. Allele origin: germline.

Baylor Genetics
Classification: Likely pathogenic for Pulmonary hypertension, neonatal, susceptibility to. Last evaluated: 2024-01-30. Review status: criteria provided, single submitter. Criteria: ACMG Guidelines, 2015. Collection method: clinical testing. Allele origin: unknown.

Labcorp Genetics (formerly Invitae), Labcorp
Classification: Likely pathogenic for Congenital hyperammonemia, type I. Last evaluated: 2023-10-07. Review status: criteria provided, single submitter. Criteria: Invitae Variant Classification Sherloc (09022015). Collection method: clinical testing. Allele origin: germline.
Comment: This sequence change affects a donor splice site in intron 25 of the CPS1 gene. It is expected to disrupt RNA splicing. Variants that disrupt the donor or acceptor splice site typically lead to a loss of protein function (PMID: 16199547), and loss-of-function variants in CPS1 are known to be pathogenic (PMID: 21120950). This variant is not present in population databases (gnomAD no frequency). This variant has not been reported in the literature in individuals affected with CPS1-related conditions. ClinVar contains an entry for this variant (Variation ID: 1468413). Algorithms developed to predict the effect of sequence changes on RNA splicing suggest that this variant may disrupt the consensus splice site. In summary, the currently available evidence indicates that the variant is pathogenic, but additional data are needed to prove that conclusively. Therefore, this variant has been classified as Likely Pathogenic.

Literature cited by the submitters: PubMed 16199547 (cited by Labcorp Genetics (formerly Invitae), Labcorp); PubMed 21120950 (cited by Labcorp Genetics (formerly Invitae), Labcorp).

NM_001875.5(CPS1):c.3141+2T>C

Gene: CPS1 (carbamoyl-phosphate synthase 1; plus strand). Cytogenetic location: 2q34.
Variant type: single nucleotide variant.
Coding change: c.3141+2T>C on transcript NM_001875.5 (MANE Select); the canonical splice donor site of the intron after coding-DNA position 3141, T replaced by C.
Molecular consequence: splice donor variant.
Genome position (GRCh38, 1-based): chr2:210,642,667, T>C. VCF-style: chr2-210642667-T-C. GRCh37 (hg19) VCF-style: chr2-211507391-T-C.
Other names: c.3141+2T>C (NM_001369257.1, NM_001122633.3); c.3174+2T>C (NM_001369256.1).
Identifiers: ClinVar variation 1468413 (VCV001468413.10), dbSNP rs2105901763, ClinGen allele CA350434518.
Genomic context (GRCh38, chr2:210,642,667, plus strand): 5'-ACAAACTGTACTTTGAAGAGTTGTCCTTGGAGAGAATCCTAGACATCTACCATCAGGAGG[T>C]AAGAAAAGAAAAACAGAAAAAAAAGAAAAAAGAAGACAGATATATGTAGTATACACTTTA-3'